The following is an entry in ClinVar:

ClinVar aggregate classification (germline): Benign. Review status: criteria provided, multiple submitters, no conflicts (2 of 4 stars). 9 submissions from 9 submitters: Benign (7). 2 of the submissions do not count toward it. Last evaluated 2026-06-26.

Conditions:
Autosomal recessive nonsyndromic hearing loss 3. Also called: NEUROSENSORY NONSYNDROMIC RECESSIVE DEAFNESS 3. Identifiers: Orphanet 90636, MedGen C1838263, MONDO:0010860, OMIM 600316.

Allele frequency attached by ClinVar (database versions not stated): ESP Exome Variant Server 0.34575; gnomAD exomes 0.33412 and 0.38951; 1000 Genomes Project 0.21286; 1000 Genomes Project 30x 0.21658; TOPMed 0.31977; ExAC 0.33261; gnomAD 0.33511 and 0.34259.
gnomAD v4.1: 618,691 of 1,613,590 alleles (38%); highest among the groups gnomAD compares: Non-Finnish European, 42%; 124,731 homozygotes.

Submissions (9):

Women's Health and Genetics/Laboratory Corporation of America, LabCorp
Classification: Benign. Last evaluated: 2026-06-26. Review status: criteria provided, single submitter. Criteria: LabCorp Variant Classification Summary - May 2015. Collection method: clinical testing. Allele origin: germline.

Labcorp Genetics (formerly Invitae), Labcorp
Classification: Benign. Last evaluated: 2026-02-04. Review status: criteria provided, single submitter. Criteria: Invitae Variant Classification Sherloc (09022015). Collection method: clinical testing. Allele origin: germline.

Genome-Nilou Lab
Classification: Benign for Autosomal recessive nonsyndromic hearing loss 3. Last evaluated: 2021-09-05. Review status: criteria provided, single submitter. Criteria: ACMG Guidelines, 2015. Collection method: clinical testing. Allele origin: germline. Affected: no.

Illumina Laboratory Services, Illumina
Classification: Benign for Autosomal recessive nonsyndromic hearing loss 3. Last evaluated: 2018-01-13. Review status: criteria provided, single submitter. Criteria: ICSL Variant Classification Criteria 13 December 2019. Collection method: clinical testing. Allele origin: germline.
Comment: This variant was observed in the ICSL laboratory as part of a predisposition screen in an ostensibly healthy population. It had not been previously curated by ICSL or reported in the Human Gene Mutation Database (HGMD: prior to June 1st, 2018), and was therefore a candidate for classification through an automated scoring system. Utilizing variant allele frequency, disease prevalence and penetrance estimates, and inheritance mode, an automated score was calculated to assess if this variant is too frequent to cause the disease. Based on the score and internal cut-off values, a variant classified as benign is not then subjected to further curation. The score for this variant resulted in a classification of benign for this disease.

Laboratory for Molecular Medicine, Mass General Brigham Personalized Medicine
Classification: Benign. Last evaluated: 2012-05-07. Review status: criteria provided, single submitter. Criteria: LMM Criteria. Collection method: clinical testing. Allele origin: germline. Observed: 845 variant alleles.
Comment: 8460-15C>T in Intron 47 of MYO15A: This variant is not expected to have clinical significance because it has been identified in 40.0% (2731/6830) of European Am erican chromosomes from a broad population by the NHLBI Exome Sequencing Project (dbSNP rs861278).

Breakthrough Genomics
Classification: Benign. Review status: criteria provided, single submitter. Criteria: ACMG Guidelines, 2015. Collection method: not provided. Allele origin: germline. Inheritance: Autosomal recessive inheritance. Affected: yes.

PreventionGenetics, part of Exact Sciences
Classification: Benign. Review status: criteria provided, single submitter. Criteria: ACMG Guidelines, 2015. Collection method: clinical testing. Allele origin: germline.

Diagnostic Laboratory, Department of Genetics, University Medical Center Groningen
Classification: Benign. Review status: no assertion criteria provided. Collection method: clinical testing. Allele origin: germline. Affected: yes. Study: VKGL Data-share Consensus. Not counted in ClinVar's aggregate classification.

Joint Genome Diagnostic Labs from Nijmegen and Maastricht, Radboudumc and MUMC+
Classification: Benign. Review status: no assertion criteria provided. Collection method: clinical testing. Allele origin: germline. Affected: yes. Study: VKGL Data-share Consensus. Not counted in ClinVar's aggregate classification.

NM_016239.4(MYO15A):c.8460-15C>T

Gene: MYO15A (myosin XVA; plus strand). Cytogenetic location: 17p11.2.
Variant type: single nucleotide variant.
Coding change: c.8460-15C>T on transcript NM_016239.4 (MANE Select); 15 bases into the intron before coding-DNA position 8460, C replaced by T.
Molecular consequence: intron variant.
Genome position (GRCh38, 1-based): chr17:18,156,180, C>T. VCF-style: chr17-18156180-C-T. GRCh37 (hg19) VCF-style: chr17-18059494-C-T.
Identifiers: ClinVar variation 45769 (VCV000045769.28), dbSNP rs861278, ClinGen allele CA137024.